The following is an entry in ClinVar:

ClinVar aggregate classification (germline): Uncertain significance (1 of 4 stars; one submission).

Conditions:
Hereditary cancer-predisposing syndrome. Also called: Hereditary Cancer Syndrome; Tumor predisposition; Hereditary neoplastic syndrome; Neoplastic Syndromes, Hereditary. Identifiers: Orphanet 140162, MedGen C0027672, MeSH D009386, MONDO:0015356.

gnomAD v4.1: 2 of 1,614,148 alleles (0.00012%); highest among the groups gnomAD compares: Non-Finnish European, 0.00017%; no homozygotes.

Submission:

Ambry Genetics
Classification: Uncertain significance for Hereditary cancer-predisposing syndrome. Last evaluated: 2024-05-24. Review status: criteria provided, single submitter. Criteria: Ambry Variant Classification Scheme 2023. Collection method: clinical testing. Allele origin: germline.
Comment: The p.V1205A variant (also known as c.3614T>C), located in coding exon 18 of the BLM gene, results from a T to C substitution at nucleotide position 3614. The valine at codon 1205 is replaced by alanine, an amino acid with similar properties. This amino acid position is conserved. In addition, this alteration is predicted to be tolerated by in silico analysis. Based on the available evidence, the clinical significance of this variant remains unclear.

NM_000057.4(BLM):c.3614T>C (p.Val1205Ala)

Gene: BLM (BLM RecQ like helicase; plus strand). Cytogenetic location: 15q26.1.
Variant type: single nucleotide variant.
Coding change: c.3614T>C on transcript NM_000057.4 (MANE Select); coding-DNA position 3614, T replaced by C.
Protein change: p.Val1205Ala; replaces valine 1205 with alanine.
Molecular consequence: missense variant. On other transcripts: intron variant (1).
Genome position (GRCh38, 1-based): chr15:90,804,222, T>C. VCF-style: chr15-90804222-T-C. GRCh37 (hg19) VCF-style: chr15-91347452-T-C.
Other names: c.3614T>C, p.Val1205Ala (NM_001287246.2); c.2489T>C, p.Val830Ala (NM_001287248.2); c.3359-4915T>C (NM_001287247.2); short protein forms V830A, V1205A.
Identifiers: ClinVar variation 3261040 (VCV003261040.1).